The following is an entry in ClinVar:

NM_001244926.2(PRPF4):c.977C>T (p.Ala326Val)

Gene: PRPF4 (pre-mRNA splicing tri-snRNP complex factor PRPF4; plus strand). Cytogenetic location: 9q32.
Variant type: single nucleotide variant.
Coding change: c.977C>T on transcript NM_001244926.2 (MANE Select); coding-DNA position 977, C replaced by T.
Protein change: p.Ala326Val; replaces alanine 326 with valine.
Molecular consequence: missense variant. On other transcripts: non-coding transcript variant (2).
Genome position (GRCh38, 1-based): chr9:113,288,219, C>T. VCF-style: chr9-113288219-C-T. GRCh37 (hg19) VCF-style: chr9-116050499-C-T.
Other names: c.251C>T, p.Ala84Val (NM_001322266.2, NM_001322267.2); c.980C>T, p.Ala327Val (NM_004697.5); short protein forms A326V, A327V, A84V.
Identifiers: ClinVar variation 851280 (VCV000851280.10), dbSNP rs373783471, ClinGen allele CA5195059.

ClinVar aggregate classification (germline): Conflicting classifications of pathogenicity. Review status: criteria provided, conflicting classifications (1 of 4 stars). 2 submissions from 2 submitters: Uncertain significance (1); Likely benign (1). Last evaluated 2025-11-17.

Allele frequency attached by ClinVar (database versions not stated): ExAC 0.00004; gnomAD exomes 0.00004 and 0.00006; ESP Exome Variant Server 0.00008; gnomAD 0.00012 and 0.00014; TOPMed 0.00016; 1000 Genomes Project 0.00040; 1000 Genomes Project 30x 0.00047.
gnomAD v4.1: 83 of 1,614,222 alleles (0.0051%); highest among the groups gnomAD compares: African/African-American, 0.033%; no homozygotes.

Submissions (3):

Labcorp Genetics (formerly Invitae), Labcorp
Classification: Uncertain significance. Last evaluated: 2025-11-17. Review status: criteria provided, single submitter. Criteria: Invitae Variant Classification Sherloc (09022015). Collection method: clinical testing. Allele origin: germline.
Comment: This sequence change replaces alanine, which is neutral and non-polar, with valine, which is neutral and non-polar, at codon 327 of the PRPF4 protein (p.Ala327Val). This variant is present in population databases (rs373783471, gnomAD 0.04%), and has an allele count higher than expected for a pathogenic variant. This variant has not been reported in the literature in individuals affected with PRPF4-related conditions. ClinVar contains an entry for this variant (Variation ID: 851280). An algorithm developed to predict the effect of missense changes on protein structure and function (PolyPhen-2) suggests that this variant is likely to be disruptive. In summary, the available evidence is currently insufficient to determine the role of this variant in disease. Therefore, it has been classified as a Variant of Uncertain Significance.

Blueprint Genetics
Classification: Likely benign. Last evaluated: 2024-02-22. Review status: criteria provided, single submitter. Criteria: ACMG Guidelines, 2015. Collection method: clinical testing. Allele origin: germline.

Dr. Peter K. Rogan Lab, Western University
No classification provided (evidence only). Condition: Cervical cancer. Review status: no classification provided. Collection method: in vitro. Allele origin: not applicable. Functional consequence: retained intron. Not counted in ClinVar's aggregate classification.